The following is an entry in ClinVar:

ClinVar aggregate classification (germline): Benign/Likely benign. Review status: criteria provided, multiple submitters, no conflicts (2 of 4 stars). 3 submissions from 3 submitters: Benign (1); Likely benign (2). Last evaluated 2025-03-22.

Conditions:
Hereditary cancer-predisposing syndrome. Also called: Hereditary neoplastic syndrome; Neoplastic Syndromes, Hereditary; Tumor predisposition; Hereditary Cancer Syndrome. Identifiers: Orphanet 140162, MedGen C0027672, MeSH D009386, MONDO:0015356.
Fanconi anemia complementation group J. Also called: BRIP1-Related Fanconi Anemia. Identifiers: Orphanet 84, MedGen C1836860, MONDO:0012187, OMIM 609054.
Familial cancer of breast. Also called: BREAST CANCER, FAMILIAL; hereditary breast carcinoma; Hereditary breast cancer. Identifiers: Orphanet 227535, MedGen C0346153, MONDO:0016419, OMIM 114480. Disease mechanism: loss of function.

Allele frequency attached by ClinVar (database versions not stated): TOPMed below 0.00001.

Submissions (3):

Labcorp Genetics (formerly Invitae), Labcorp
Classification: Likely benign for Familial cancer of breast; Fanconi anemia complementation group J. Last evaluated: 2025-03-22. Review status: criteria provided, single submitter. Criteria: Invitae Variant Classification Sherloc (09022015). Collection method: clinical testing. Allele origin: germline.

Myriad Genetics, Inc.
Classification: Benign for Familial cancer of breast. Last evaluated: 2024-09-05. Review status: criteria provided, single submitter. Criteria: Myriad Autosomal Dominant, Autosomal Recessive and X-Linked Classification Criteria (2023). Collection method: clinical testing. Allele origin: unknown.
Comment: This variant is considered benign. This variant is a silent/synonymous amino acid change and it is not expected to impact splicing.

Ambry Genetics
Classification: Likely benign for Hereditary cancer-predisposing syndrome. Last evaluated: 2021-09-08. Review status: criteria provided, single submitter. Criteria: Ambry Variant Classification Scheme 2023. Collection method: clinical testing. Allele origin: germline.

NM_032043.3(BRIP1):c.2691G>A (p.Lys897=)

Gene: BRIP1 (BRCA1 interacting DNA helicase 1; minus strand). Cytogenetic location: 17q23.2.
Variant type: single nucleotide variant.
Coding change: c.2691G>A on transcript NM_032043.3 (MANE Select); coding-DNA position 2691, G replaced by A.
Protein change: p.Lys897=; no amino-acid change (lysine 897 retained).
Molecular consequence: synonymous variant.
Genome position (GRCh38, 1-based): chr17:61,686,050, C>T on the plus strand (G>A on the coding strand, the complement: BRIP1 is on the minus strand). VCF-style: chr17-61686050-C-T. GRCh37 (hg19) VCF-style: chr17-59763411-C-T.
Identifiers: ClinVar variation 461125 (VCV000461125.15), dbSNP rs1555573425, ClinGen allele CA501335787.
Genomic context (GRCh38, chr17:61,686,050, plus strand): 5'-ACTGTACTTTAAAGAGGTCACTTCAAGTGTAGACTCATTGTCCTGTATATTGGTTCTGTC[C>T]TTTATGGATACATTAAGAACTTTTTGATGCTTTTTGGAAAATTCAGCCAAGGATTCCAGT-3'
Protein context (NP_114432.2, residues 887-907): KHQKVLNVSI[Lys897=]DRTNIQDNES